The following is an entry in ClinVar:

NM_025137.4(SPG11):c.3184C>T (p.Gln1062Ter)

Gene: SPG11 (SPG11 vesicle trafficking associated, spatacsin; minus strand). Cytogenetic location: 15q21.1.
Variant type: single nucleotide variant.
Coding change: c.3184C>T on transcript NM_025137.4 (MANE Select); coding-DNA position 3184, C replaced by T.
Protein change: p.Gln1062Ter; replaces glutamine 1062 with a stop codon.
Molecular consequence: nonsense.
Genome position (GRCh38, 1-based): chr15:44,610,947, G>A on the plus strand (C>T on the coding strand, the complement: SPG11 is on the minus strand). VCF-style: chr15-44610947-G-A. GRCh37 (hg19) VCF-style: chr15-44903145-G-A.
Other names: c.3184C>T, p.Gln1062Ter (NM_001160227.2); short protein forms Q1062*.
Identifiers: ClinVar variation 1374851 (VCV001374851.6), dbSNP rs370252831, ClinGen allele CA392227086.
Genomic context (GRCh38, chr15:44,610,947, plus strand): 5'-GGGTATGTCCTTCCAATAGCATACTGCTTACACTGGCCTGATTGGTGGGAATCAAAATCT[G>A]AGCATTTGCAAGGCTAGCCTGGAAGATCAGTTTGGGATCTGGAAAATAAAAGACAGTGTT-3'

ClinVar aggregate classification (germline): Pathogenic (1 of 4 stars; one submission).

Conditions:
Hereditary spastic paraplegia 11. Also called: Spastic paraplegia, mental retardation and thin corpus callosum; Spastic Paraplegia 11; Nakamura Osame syndrome; Autosomal recessive hereditary spastic paraplegia, mental impairment, and thin corpus callosum; SPASTIC PARAPLEGIA, AUTOSOMAL RECESSIVE, COMPLICATED, WITH THIN CORPUS CALLOSUM; SPASTIC PARAPLEGIA, AUTOSOMAL RECESSIVE, WITH MENTAL IMPAIRMENT AND THIN CORPUS CALLOSUM. Identifiers: Orphanet 2822, MedGen C1858479, MONDO:0011445, OMIM 604360.

Submission:

Labcorp Genetics (formerly Invitae), Labcorp
Classification: Pathogenic for Hereditary spastic paraplegia 11. Last evaluated: 2024-01-06. Review status: criteria provided, single submitter. Criteria: Invitae Variant Classification Sherloc (09022015). Collection method: clinical testing. Allele origin: germline.
Comment: This sequence change creates a premature translational stop signal (p.Gln1062*) in the SPG11 gene. It is expected to result in an absent or disrupted protein product. Loss-of-function variants in SPG11 are known to be pathogenic (PMID: 19105190, 20110243, 22154821, 26556829). This variant is not present in population databases (gnomAD no frequency). This variant has not been reported in the literature in individuals affected with SPG11-related conditions. ClinVar contains an entry for this variant (Variation ID: 1374851). Algorithms developed to predict the effect of sequence changes on RNA splicing suggest that this variant may disrupt the consensus splice site. For these reasons, this variant has been classified as Pathogenic.

Literature cited by the submitters: PubMed 19105190; PubMed 20110243; PubMed 22154821; PubMed 26556829.